The following is an entry in ClinVar:

NM_194291.3(TMEM65):c.159G>A (p.Arg53=)

Genes: TMEM65 (transmembrane protein 65; minus strand), LOC130001070 (ATAC-STARR-seq lymphoblastoid silent region 19510; plus strand). Cytogenetic location: 8q24.13.
Variant type: single nucleotide variant.
Coding change: c.159G>A on transcript NM_194291.3 (MANE Select); coding-DNA position 159, G replaced by A.
Protein change: p.Arg53=; no amino-acid change (arginine 53 retained).
Molecular consequence: synonymous variant.
Genome position (GRCh38, 1-based): chr8:124,371,999, C>T on the plus strand (G>A on the coding strand, the complement: TMEM65 is on the minus strand). VCF-style: chr8-124371999-C-T. GRCh37 (hg19) VCF-style: chr8-125384240-C-T.
Identifiers: ClinVar variation 4980322 (VCV004980322.1).

ClinVar aggregate classification (germline): Likely benign (1 of 4 stars; one submission).

Conditions:
TMEM65-related disorder. Also called: TMEM65-related condition.

Submission:

PreventionGenetics, part of Exact Sciences
Classification: Likely benign for TMEM65-related condition. Last evaluated: 2025-10-02. Review status: criteria provided, single submitter. Criteria: ACMG Guidelines, 2015. Collection method: clinical testing. Allele origin: germline.
Comment: This variant is classified as likely benign based on ACMG/AMP sequence variant interpretation guidelines (Richards et al. 2015 PMID: 25741868, with internal and published modifications).